The following is an entry in ClinVar:

NM_173598.6(KSR2):c.2806C>T (p.Arg936Cys)

Gene: KSR2 (kinase suppressor of ras 2; minus strand). Cytogenetic location: 12q24.22.
Variant type: single nucleotide variant.
Coding change: c.2806C>T on transcript NM_173598.6 (MANE Select); coding-DNA position 2806, C replaced by T.
Protein change: p.Arg936Cys; replaces arginine 936 with cysteine.
Molecular consequence: missense variant.
Genome position (GRCh38, 1-based): chr12:117,469,702, G>A on the plus strand (C>T on the coding strand, the complement: KSR2 is on the minus strand). VCF-style: chr12-117469702-G-A. GRCh37 (hg19) VCF-style: chr12-117907507-G-A.
Other names: short protein forms R936C.
Identifiers: ClinVar variation 4982933 (VCV004982933.1).

ClinVar aggregate classification (germline): Uncertain significance (1 of 4 stars; one submission).

Conditions:
KSR2-related disorder. Also called: KSR2-related condition.

gnomAD v4.1: 8 of 1,613,304 alleles (0.0005%); highest among the groups gnomAD compares: African/African-American, 0.0053%; no homozygotes.

Submission:

PreventionGenetics, part of Exact Sciences
Classification: Uncertain significance for KSR2-related condition. Last evaluated: 2025-09-02. Review status: criteria provided, single submitter. Criteria: ACMG Guidelines, 2015. Collection method: clinical testing. Allele origin: germline.
Comment: The KSR2 c.2719C>T variant is predicted to result in the amino acid substitution p.Arg907Cys. To our knowledge, this variant has not been reported in the literature. An alternate missense change at the same amino acid position has been reported in an affected individual in the literature; however, no additional information was provided to establish causation (alternate nomenclature p.Arg936Leu; Pearce et al. 2013. PubMed ID: 24209692). This variant is reported in 0.0041% of alleles in individuals of African descent in gnomAD. At this time, the clinical significance of this variant is uncertain due to the absence of conclusive functional and genetic evidence.